The following is an entry in ClinVar:

ClinVar aggregate classification (germline): Uncertain significance. Review status: criteria provided, multiple submitters, no conflicts (2 of 4 stars). 2 submissions from 2 submitters: Uncertain significance (2). Last evaluated 2025-04-11.

Conditions:
Hereditary cancer-predisposing syndrome. Also called: Tumor predisposition; Hereditary neoplastic syndrome; Neoplastic Syndromes, Hereditary; Hereditary Cancer Syndrome. Identifiers: Orphanet 140162, MedGen C0027672, MeSH D009386, MONDO:0015356.

Allele frequency attached by ClinVar (database versions not stated): TOPMed below 0.00001.
gnomAD v4.1: 2 of 1,613,708 alleles (0.00012%); highest among the groups gnomAD compares: Non-Finnish European, 0.00017%; no homozygotes.

Submissions (2):

Ambry Genetics
Classification: Uncertain significance for Hereditary cancer-predisposing syndrome. Last evaluated: 2025-04-11. Review status: criteria provided, single submitter. Criteria: Ambry Variant Classification Scheme 2023. Collection method: clinical testing. Allele origin: germline.
Comment: The p.R2028S variant (also known as c.6084G>C), located in coding exon 44 of the POLE gene, results from a G to C substitution at nucleotide position 6084. The arginine at codon 2028 is replaced by serine, an amino acid with dissimilar properties. This amino acid position is conserved. In addition, this alteration is predicted to be tolerated by in silico analysis. Since supporting evidence is limited at this time, the clinical significance of this alteration remains unclear.

Labcorp Genetics (formerly Invitae), Labcorp
Classification: Uncertain significance. Last evaluated: 2023-01-03. Review status: criteria provided, single submitter. Criteria: Invitae Variant Classification Sherloc (09022015). Collection method: clinical testing. Allele origin: germline.
Comment: This sequence change replaces arginine, which is basic and polar, with serine, which is neutral and polar, at codon 2028 of the POLE protein (p.Arg2028Ser). This variant is not present in population databases (gnomAD no frequency). This variant has not been reported in the literature in individuals affected with POLE-related conditions. ClinVar contains an entry for this variant (Variation ID: 1009006). Algorithms developed to predict the effect of missense changes on protein structure and function (SIFT, PolyPhen-2, Align-GVGD) all suggest that this variant is likely to be tolerated. In summary, the available evidence is currently insufficient to determine the role of this variant in disease. Therefore, it has been classified as a Variant of Uncertain Significance.

NM_006231.4(POLE):c.6084G>C (p.Arg2028Ser)

Gene: POLE (DNA polymerase epsilon, catalytic subunit; minus strand). Cytogenetic location: 12q24.33.
Variant type: single nucleotide variant.
Coding change: c.6084G>C on transcript NM_006231.4 (MANE Select); coding-DNA position 6084, G replaced by C.
Protein change: p.Arg2028Ser; replaces arginine 2028 with serine.
Molecular consequence: missense variant.
Genome position (GRCh38, 1-based): chr12:132,632,716, C>G on the plus strand (G>C on the coding strand, the complement: POLE is on the minus strand). VCF-style: chr12-132632716-C-G. GRCh37 (hg19) VCF-style: chr12-133209302-C-G.
Other names: short protein forms R2028S.
Identifiers: ClinVar variation 1009006 (VCV001009006.12), dbSNP rs897232268, ClinGen allele CA387370561.